The following is an entry in ClinVar:

NM_012463.4(ATP6V0A2):c.17G>A (p.Arg6Gln)

Genes: ATP6V0A2 (ATPase H+ transporting V0 subunit a2; plus strand), LOC130009117 (ATAC-STARR-seq lymphoblastoid silent region 5049; plus strand). Cytogenetic location: 12q24.31.
Variant type: single nucleotide variant.
Coding change: c.17G>A on transcript NM_012463.4 (MANE Select); coding-DNA position 17, G replaced by A.
Protein change: p.Arg6Gln; replaces arginine 6 with glutamine.
Molecular consequence: missense variant.
Genome position (GRCh38, 1-based): chr12:123,712,582, G>A. VCF-style: chr12-123712582-G-A. GRCh37 (hg19) VCF-style: chr12-124197129-G-A.
Other names: short protein forms R6Q.
Identifiers: ClinVar variation 1515497 (VCV001515497.4), dbSNP rs2135870876, ClinGen allele CA387150411.

ClinVar aggregate classification (germline): Uncertain significance (1 of 4 stars; one submission).

Conditions:
ALG9 congenital disorder of glycosylation (CDG1L). Also called: CDG Il; CONGENITAL DISORDER OF GLYCOSYLATION, TYPE Il; ALG9-CDG. Identifiers: Orphanet 79328, MedGen C2931006, MONDO:0012117, OMIM 608776.

Submission:

Labcorp Genetics (formerly Invitae), Labcorp
Classification: Uncertain significance for ALG9 congenital disorder of glycosylation. Last evaluated: 2021-09-21. Review status: criteria provided, single submitter. Criteria: Invitae Variant Classification Sherloc (09022015). Collection method: clinical testing. Allele origin: germline.
Comment: In summary, the available evidence is currently insufficient to determine the role of this variant in disease. Therefore, it has been classified as a Variant of Uncertain Significance. Algorithms developed to predict the effect of sequence changes on RNA splicing suggest that this variant may create or strengthen a splice site. Algorithms developed to predict the effect of missense changes on protein structure and function are either unavailable or do not agree on the potential impact of this missense change (SIFT: "Deleterious"; PolyPhen-2: "Possibly Damaging"; Align-GVGD: "Class C0"). This variant has not been reported in the literature in individuals affected with ATP6V0A2-related conditions. This variant is not present in population databases (ExAC no frequency). This sequence change replaces arginine with glutamine at codon 6 of the ATP6V0A2 protein (p.Arg6Gln). The arginine residue is moderately conserved and there is a small physicochemical difference between arginine and glutamine.